The following is an entry in ClinVar:

ClinVar aggregate classification (germline): Uncertain significance (1 of 4 stars; one submission).

Conditions:
Inborn genetic diseases. Identifiers: MedGen C0950123, MeSH D030342.

Submission:

Ambry Genetics
Classification: Uncertain significance for Inborn genetic diseases. Last evaluated: 2025-05-19. Review status: criteria provided, single submitter. Criteria: Ambry Variant Classification Scheme 2023. Collection method: clinical testing. Allele origin: germline.
Comment: The p.Y512H variant (also known as c.1534T>C), located in coding exon 9 of the RECQL4 gene, results from a T to C substitution at nucleotide position 1534. The tyrosine at codon 512 is replaced by histidine, an amino acid with similar properties. This amino acid position is conserved. In addition, this alteration is predicted to be deleterious by in silico analysis. Based on the available evidence, the clinical significance of this variant remains unclear.

NM_004260.4(RECQL4):c.1534T>C (p.Tyr512His)

Gene: RECQL4 (RecQ like helicase 4; minus strand). Cytogenetic location: 8q24.3.
Variant type: single nucleotide variant.
Coding change: c.1534T>C on transcript NM_004260.4 (MANE Select); coding-DNA position 1534, T replaced by C.
Protein change: p.Tyr512His; replaces tyrosine 512 with histidine.
Molecular consequence: missense variant. On other transcripts: non-coding transcript variant (3).
Genome position (GRCh38, 1-based): chr8:144,515,022, A>G on the plus strand (T>C on the coding strand, the complement: RECQL4 is on the minus strand). VCF-style: chr8-144515022-A-G. GRCh37 (hg19) VCF-style: chr8-145740406-A-G.
Other names: c.1438T>C, p.Tyr480His (NM_001413017.1, NM_001413020.1); c.1534T>C, p.Tyr512His (NM_001413018.1, NM_001413019.1, NM_001413033.1 and 1 more transcripts); c.463T>C, p.Tyr155His (NM_001413021.1, NM_001413022.1, NM_001413023.1 and 7 more transcripts); c.1405T>C, p.Tyr469His (NM_001413025.1); c.397T>C, p.Tyr133His (NM_001413027.1, NM_001413030.1, NM_001413031.1 and 2 more transcripts); c.1183T>C, p.Tyr395His (NM_001413029.1); c.1504T>C, p.Tyr502His (NM_001413039.1); c.433T>C, p.Tyr145His (NM_001413042.1); and 1 more; short protein forms Y133H, Y480H, Y502H, Y512H, Y155H, Y469H, Y145H, Y23H.
Identifiers: ClinVar variation 3944329 (VCV003944329.1).